The following is an entry in ClinVar:

NM_001170535.3(ATAD3A):c.1737T>C (p.Arg579=)

Gene: ATAD3A (ATPase family AAA domain containing 3A; plus strand). Cytogenetic location: 1p36.33.
Variant type: single nucleotide variant.
Coding change: c.1737T>C on transcript NM_001170535.3 (MANE Select); coding-DNA position 1737, T replaced by C.
Protein change: p.Arg579=; no amino-acid change (arginine 579 retained).
Molecular consequence: synonymous variant.
Genome position (GRCh38, 1-based): chr1:1,534,048, T>C. VCF-style: chr1-1534048-T-C. GRCh37 (hg19) VCF-style: chr1-1469428-T-C.
Other names: c.1500T>C, p.Arg500= (NM_001170536.3); c.1881T>C, p.Arg627= (NM_018188.5).
Identifiers: ClinVar variation 1879071 (VCV001879071.29), dbSNP rs750915679, ClinGen allele CA526572.

ClinVar aggregate classification (germline): Likely benign (1 of 4 stars; one submission).

Allele frequency attached by ClinVar (database versions not stated): ExAC 0.00003; gnomAD exomes 0.00007.

Submission:

CeGaT Center for Human Genetics Tuebingen
Classification: Likely benign. Last evaluated: 2022-12-01. Review status: criteria provided, single submitter. Criteria: CeGaT Center For Human Genetics Tuebingen Variant Classification Criteria Version 2. Collection method: clinical testing. Allele origin: germline. Affected: yes. Observed: 2 variant alleles.
Comment: ATAD3A: BP4, BP7